The following is an entry in ClinVar:

NM_001330260.2(SCN8A):c.1035C>A (p.Asn345Lys)

Gene: SCN8A (sodium voltage-gated channel alpha subunit 8; plus strand). Cytogenetic location: 12q13.13.
Variant type: single nucleotide variant.
Coding change: c.1035C>A on transcript NM_001330260.2 (MANE Select); coding-DNA position 1035, C replaced by A.
Protein change: p.Asn345Lys; replaces asparagine 345 with lysine.
Molecular consequence: missense variant.
Genome position (GRCh38, 1-based): chr12:51,702,815, C>A. VCF-style: chr12-51702815-C-A. GRCh37 (hg19) VCF-style: chr12-52096599-C-A.
Other names: c.1035C>A, p.Asn345Lys (NM_001177984.3, NM_001369788.1, NM_014191.4); short protein forms N345K.
Identifiers: ClinVar variation 4681908 (VCV004681908.5).
Genomic context (GRCh38, chr12:51,702,815, plus strand): 5'-TTCCCTTTCTTTCTTTAGGCAATGCCCAGAGGGATACCAGTGTATGAAAGCAGGAAGGAA[C>A]CCCAACTATGGTTACACAAGTTTTGACACTTTTAGCTGGGCCTTCTTGGCATTATTTCGC-3'
Protein context (NP_001317189.1, residues 335-355): EGYQCMKAGR[Asn345Lys]PNYGYTSFDT

ClinVar aggregate classification (germline): Uncertain significance (1 of 4 stars; one submission).

Submission:

CeGaT Center for Human Genetics Tuebingen
Classification: Uncertain significance. Last evaluated: 2025-12-01. Review status: criteria provided, single submitter. Criteria: CeGaT Center For Human Genetics Tuebingen Variant Classification Criteria Version 2. Collection method: clinical testing. Allele origin: germline. Affected: yes. Observed: 1 variant allele.
Comment: SCN8A: PM2, PP2, PP3